The following is an entry in ClinVar:

NM_000321.3(RB1):c.1822del (p.Ser608fs)

Gene: RB1 (RB transcriptional corepressor 1; plus strand). Cytogenetic location: 13q14.2.
Variant type: Deletion.
Coding change: c.1822del on transcript NM_000321.3 (MANE Select); coding-DNA position 1822, one base deleted (T; older notation c.1822delT).
Protein change: p.Ser608fs; shifts the reading frame from serine 608.
Molecular consequence: frameshift variant.
Genome position (GRCh38, 1-based): chr13:48,456,211, T deleted; the last of 3 consecutive T bases (chr13:48,456,209-48,456,211); deleting any one gives the same sequence. VCF-style (leftmost placement, unchanged base first): chr13-48456208-CT-C. GRCh37 (hg19) VCF-style: chr13-49030344-CT-C.
Other names: c.1822delT, p.Ser608Leufs (NM_001407165.1); short protein forms S608fs.
Identifiers: ClinVar variation 1780783 (VCV001780783.3), dbSNP rs2542363917, ClinGen allele CA2580087575.

ClinVar aggregate classification (germline): Pathogenic (1 of 4 stars; one submission).

Conditions:
Hereditary cancer-predisposing syndrome. Also called: Neoplastic Syndromes, Hereditary; Tumor predisposition; Hereditary Cancer Syndrome; Hereditary neoplastic syndrome. Identifiers: Orphanet 140162, MedGen C0027672, MeSH D009386, MONDO:0015356.

Submission:

Ambry Genetics
Classification: Pathogenic for Hereditary cancer-predisposing syndrome. Last evaluated: 2024-11-12. Review status: criteria provided, single submitter. Criteria: Ambry Variant Classification Scheme 2023. Collection method: clinical testing. Allele origin: germline.
Comment: The c.1822delT pathogenic mutation, located in coding exon 19 of the RB1 gene, results from a deletion of one nucleotide at nucleotide position 1822, causing a translational frameshift with a predicted alternate stop codon (p.S608Lfs*3). This alteration is expected to result in loss of function by premature protein truncation or nonsense-mediated mRNA decay. As such, this alteration is interpreted as a disease-causing mutation.